The following is an entry in ClinVar:

ClinVar aggregate classification (germline): Uncertain significance. Review status: criteria provided, multiple submitters, no conflicts (2 of 4 stars). 3 submissions from 3 submitters: Uncertain significance (3). Last evaluated 2024-12-24.

Conditions:
Fanconi anemia (FA). Also called: Fanconi's anemia. Identifiers: Orphanet 84, MedGen C0015625, MeSH D005199, MONDO:0019391.

Allele frequency attached by ClinVar (database versions not stated): ExAC 0.00007; TOPMed 0.00007; gnomAD exomes 0.00009 and 0.00011; gnomAD 0.00010 and 0.00011.

Submissions (3):

Labcorp Genetics (formerly Invitae), Labcorp
Classification: Uncertain significance for Fanconi anemia. Last evaluated: 2024-12-24. Review status: criteria provided, single submitter. Criteria: Invitae Variant Classification Sherloc (09022015). Collection method: clinical testing. Allele origin: germline.
Comment: This sequence change replaces isoleucine, which is neutral and non-polar, with valine, which is neutral and non-polar, at codon 58 of the FANCD2 protein (p.Ile58Val). This variant is present in population databases (rs766098612, gnomAD 0.02%). This variant has not been reported in the literature in individuals affected with FANCD2-related conditions. ClinVar contains an entry for this variant (Variation ID: 456347). Invitae Evidence Modeling of protein sequence and biophysical properties (such as structural, functional, and spatial information, amino acid conservation, physicochemical variation, residue mobility, and thermodynamic stability) indicates that this missense variant is not expected to disrupt FANCD2 protein function with a negative predictive value of 80%. In summary, the available evidence is currently insufficient to determine the role of this variant in disease. Therefore, it has been classified as a Variant of Uncertain Significance.

Blueprint Genetics
Classification: Uncertain significance. Last evaluated: 2024-05-08. Review status: criteria provided, single submitter. Criteria: ACMG Guidelines, 2015. Collection method: clinical testing. Allele origin: germline.

Sema4
Classification: Uncertain significance for Fanconi anemia. Last evaluated: 2021-04-22. Review status: criteria provided, single submitter. Criteria: Sema4 Curation Guidelines. Collection method: curation. Allele origin: germline.
Comment: The FANCD2 c.172A>G (p.I58V) variant has not been reported in the literature to our knowledge. This variant was observed in 23/282200 chromosomes in the large and broad populations by the Genome Aggregation Database (PMID: 32461654). The variant has been reported in ClinVar (Variation ID 456347). In silico tools suggest the impact of the variant on protein function is benign, though these predictions have not been confirmed by functional studies. The overall evidence is insufficient to meet ACMG/AMP criteria for classifying it as benign or pathogenic. In summary, the clinical significance of this variant is currently uncertain.

NM_001018115.3(FANCD2):c.172A>G (p.Ile58Val)

Genes: FANCD2 (FA complementation group D2; plus strand), LOC107303338 (3p25 FANCD2 Alu-mediated recombination region; plus strand). Cytogenetic location: 3p25.3.
Variant type: single nucleotide variant.
Coding change: c.172A>G on transcript NM_001018115.3 (MANE Select); coding-DNA position 172, A replaced by G.
Protein change: p.Ile58Val; replaces isoleucine 58 with valine.
Molecular consequence: missense variant.
Genome position (GRCh38, 1-based): chr3:10,032,939, A>G. VCF-style: chr3-10032939-A-G. GRCh37 (hg19) VCF-style: chr3-10074623-A-G.
Other names: c.172A>G, p.Ile58Val (NM_001319984.2, NM_001374253.1, NM_001374254.1 and 2 more transcripts); short protein forms I58V.
Identifiers: ClinVar variation 456347 (VCV000456347.9), dbSNP rs766098612, ClinGen allele CA2249124.